The following is an entry in ClinVar:

ClinVar aggregate classification (germline): Uncertain significance (1 of 4 stars; one submission).

Submission:

GeneDx
Classification: Uncertain significance. Last evaluated: 2024-04-08. Review status: criteria provided, single submitter. Criteria: GeneDx Variant Classification Process June 2021. Collection method: clinical testing. Allele origin: germline. Affected: yes.
Comment: Not observed at significant frequency in large population cohorts (gnomAD); In silico analysis indicates that this missense variant does not alter protein structure/function; Has not been previously published as pathogenic or benign to our knowledge

NM_018489.3(ASH1L):c.6358A>G (p.Asn2120Asp)

Gene: ASH1L (ASH1 like histone lysine methyltransferase; minus strand). Cytogenetic location: 1q22.
Variant type: single nucleotide variant.
Coding change: c.6358A>G on transcript NM_018489.3 (MANE Select); coding-DNA position 6358, A replaced by G.
Protein change: p.Asn2120Asp; replaces asparagine 2120 with aspartic acid.
Molecular consequence: missense variant.
Genome position (GRCh38, 1-based): chr1:155,370,958, T>C on the plus strand (A>G on the coding strand, the complement: ASH1L is on the minus strand). VCF-style: chr1-155370958-T-C. GRCh37 (hg19) VCF-style: chr1-155340749-T-C.
Other names: c.6373A>G, p.Asn2125Asp (NM_001366177.2); short protein forms N2120D, N2125D.
Identifiers: ClinVar variation 3372144 (VCV003372144.1).